The following is an entry in ClinVar:

ClinVar aggregate classification (germline): Uncertain significance (1 of 4 stars; one submission).

Conditions:
Familial melanoma. Also called: Hereditary melanoma; Hereditary cutaneous melanoma. Identifiers: Orphanet 618, MedGen C1512419, MONDO:0018961.

Submission:

Labcorp Genetics (formerly Invitae), Labcorp
Classification: Uncertain significance for Familial melanoma. Last evaluated: 2021-08-16. Review status: criteria provided, single submitter. Criteria: Invitae Variant Classification Sherloc (09022015). Collection method: clinical testing. Allele origin: germline.
Comment: This sequence change disrupts the translational stop signal of the CDK4 mRNA. It is expected to extend the length of the CDK4 protein by 46 additional amino acid residues. This variant is not present in population databases (ExAC no frequency). This variant has not been reported in the literature in individuals affected with CDK4-related conditions. In summary, the available evidence is currently insufficient to determine the role of this variant in disease. Therefore, it has been classified as a Variant of Uncertain Significance.

NM_000075.4(CDK4):c.910T>A (p.Ter304Arg)

Genes: CDK4 (cyclin dependent kinase 4; minus strand), TSPAN31 (tetraspanin 31; plus strand). Cytogenetic location: 12q14.1.
Variant type: single nucleotide variant.
Coding change: c.910T>A on transcript NM_000075.4 (MANE Select); coding-DNA position 910, T replaced by A.
Protein change: p.Ter304Arg.
Molecular consequence: stop lost. On other transcripts: 3 prime UTR variant (3).
Genome position (GRCh38, 1-based): chr12:57,748,527, A>T on the plus strand (T>A on the coding strand, the complement: CDK4 is on the minus strand). VCF-style: chr12-57748527-A-T. GRCh37 (hg19) VCF-style: chr12-58142310-A-T.
Other names: c.*1237A>T (NM_001330168.2, NM_001330169.2, NM_005981.5).
Identifiers: ClinVar variation 1440671 (VCV001440671.6), dbSNP rs2140380940, ClinGen allele CA385542112.